The following is an entry in ClinVar:

NM_001195553.2(DCX):c.184G>A (p.Asp62Asn)

Gene: DCX (doublecortin; minus strand). Cytogenetic location: Xq23.
Variant type: single nucleotide variant.
Coding change: c.184G>A on transcript NM_001195553.2 (MANE Select); coding-DNA position 184, G replaced by A.
Protein change: p.Asp62Asn; replaces aspartic acid 62 with asparagine.
Molecular consequence: missense variant.
Genome position (GRCh38, 1-based): chrX:111,410,215, C>T on the plus strand (G>A on the coding strand, the complement: DCX is on the minus strand). VCF-style: chrX-111410215-C-T. GRCh37 (hg19) VCF-style: chrX-110653443-C-T.
Other names: c.427G>A, p.Asp143Asn (NM_000555.3); c.184G>A, p.Asp62Asn (NM_001369370.1, NM_001369371.1, NM_001369372.1 and 5 more transcripts); short protein forms D62N, D143N.
Identifiers: ClinVar variation 11597 (VCV000011597.4), dbSNP rs104894779, ClinGen allele CA121589.

ClinVar aggregate classification (germline): Pathogenic/Likely pathogenic. Review status: criteria provided, multiple submitters, no conflicts (2 of 4 stars). 4 submissions from 3 submitters: Pathogenic (1); Likely pathogenic (1). 2 of the submissions do not count toward it. Last evaluated 2022-03-11.

Conditions:
Lissencephaly type 1 due to doublecortin gene mutation. Also called: LISSENCEPHALY AND AGENESIS OF CORPUS CALLOSUM; LISSENCEPHALY, X-LINKED, 1. Identifiers: Orphanet 2148, MedGen C4551968, MONDO:0010239, OMIM 300067.
Subcortical laminar heterotopia, X-linked (SCLH). Also called: Subcortical laminal heterotopia, X-linked. Identifiers: MedGen C1848070.

Submissions (4):

Laboratory of Medical Genetics, National & Kapodistrian University of Athens
Classification: Pathogenic for Lissencephaly type 1 due to doublecortin gene mutation. Last evaluated: 2022-03-11. Review status: criteria provided, single submitter. Criteria: ACMG Guidelines, 2015. Collection method: clinical testing. Allele origin: germline. Affected: yes.
Comment: PM1, PM2, PM5, PP2, PP3, PP5

Institute of Human Genetics, University of Leipzig Medical Center
Classification: Likely pathogenic for Lissencephaly type 1 due to doublecortin gene mutation. Last evaluated: 2019-06-19. Review status: criteria provided, single submitter. Criteria: ACMG Guidelines, 2015. Collection method: clinical testing. Allele origin: germline. Affected: yes. Observed: 1 variant allele.

OMIM
Classification: Pathogenic for LISSENCEPHALY, X-LINKED, 1. Last evaluated: 1998-01-09. Review status: no assertion criteria provided. Collection method: literature only. Allele origin: germline. Not counted in ClinVar's aggregate classification.

OMIM
Classification: Pathogenic for SUBCORTICAL LAMINAR HETEROTOPIA, X-LINKED. Last evaluated: 1998-01-09. Review status: no assertion criteria provided. Collection method: literature only. Allele origin: germline. Not counted in ClinVar's aggregate classification.

Literature cited by the submitters: PubMed 9489699 (cited by OMIM).